The following is an entry in ClinVar:

ClinVar aggregate classification (germline): Likely pathogenic (1 of 4 stars; one submission).

Submission:

Dasa
Classification: Likely pathogenic. Last evaluated: 2025-07-22. Review status: criteria provided, single submitter. Criteria: DASA Assertion Criteria. Collection method: clinical testing. Allele origin: germline.
Comment: NM_018474.6(KIZ):c.1010_1011del (p.Gln337Argfs*40) is a frameshift variant in KIZ predicted to alter the reading frame and introduce a premature termination codon and is predicted to result in an absent or altered protein product. Loss of function is an established disease mechanism for KIZ-associated disorders. Also, this variant is rare in population databases. Based on the currently available evidence, this variant is classified as likely pathogenic.

NM_018474.6(KIZ):c.1010_1011del (p.Gln337fs)

Gene: KIZ (kizuna centrosomal protein; plus strand). Cytogenetic location: 20p11.23.
Variant type: Deletion.
Coding change: c.1010_1011del on transcript NM_018474.6 (MANE Select); coding-DNA positions 1010 to 1011, 2 bases deleted (AA; older notation c.1010_1011delAA).
Protein change: p.Gln337fs; shifts the reading frame from glutamine 337.
Molecular consequence: frameshift variant.
Genome position (GRCh38, 1-based): chr20:21,162,475-21,162,476, AA deleted. VCF-style (leftmost placement, unchanged base first): chr20-21162474-CAA-C. GRCh37 (hg19) VCF-style: chr20-21143115-CAA-C.
Other names: c.701_702del, p.Gln234fs (NM_001163022.3, NM_001352435.2); c.611_612del, p.Gln204fs (NM_001163023.3); c.863_864del, p.Gln288fs (NM_001276389.2); c.1010_1011del, p.Gln337fs (NM_001352434.2); c.668_669del, p.Gln223fs (NM_001352436.2); short protein forms Q204fs, Q223fs, Q234fs, Q288fs, Q337fs.
Identifiers: ClinVar variation 4880723 (VCV004880723.2).